The following is an entry in ClinVar:

ClinVar aggregate classification (germline): Uncertain significance (1 of 4 stars; one submission).

Submission:

Labcorp Genetics (formerly Invitae), Labcorp
Classification: Uncertain significance. Last evaluated: 2025-11-18. Review status: criteria provided, single submitter. Criteria: Invitae Variant Classification Sherloc (09022015). Collection method: clinical testing. Allele origin: germline.
Comment: This sequence change replaces alanine, which is neutral and non-polar, with threonine, which is neutral and polar, at codon 558 of the H6PD protein (p.Ala558Thr). This variant is present in population databases (rs560717968, gnomAD 0.01%). This variant has not been reported in the literature in individuals affected with H6PD-related conditions. Invitae Evidence Modeling of protein sequence and biophysical properties (such as structural, functional, and spatial information, amino acid conservation, physicochemical variation, residue mobility, and thermodynamic stability) indicates that this missense variant is not expected to disrupt H6PD protein function with a negative predictive value of 80%. In summary, the available evidence is currently insufficient to determine the role of this variant in disease. Therefore, it has been classified as a Variant of Uncertain Significance.

NM_004285.4(H6PD):c.1672G>A (p.Ala558Thr)

Gene: H6PD (hexose-6-phosphate dehydrogenase/glucose 1-dehydrogenase; plus strand). Cytogenetic location: 1p36.22.
Variant type: single nucleotide variant.
Coding change: c.1672G>A on transcript NM_004285.4 (MANE Select); coding-DNA position 1672, G replaced by A.
Protein change: p.Ala558Thr; replaces alanine 558 with threonine.
Molecular consequence: missense variant.
Genome position (GRCh38, 1-based): chr1:9,264,165, G>A. VCF-style: chr1-9264165-G-A. GRCh37 (hg19) VCF-style: chr1-9324224-G-A.
Other names: c.1705G>A, p.Ala569Thr (NM_001282587.2); short protein forms A558T, A569T.
Identifiers: ClinVar variation 4751746 (VCV004751746.1).